The following is an entry in ClinVar:

ClinVar aggregate classification (germline): Uncertain significance. Review status: criteria provided, multiple submitters, no conflicts (2 of 4 stars). 2 submissions from 2 submitters: Uncertain significance (2). Last evaluated 2025-04-14.

Conditions:
Inborn genetic diseases. Identifiers: MedGen C0950123, MeSH D030342.

Allele frequency attached by ClinVar (database versions not stated): gnomAD exomes 0.00001; ExAC 0.00001; gnomAD 0.00001; TOPMed 0.00001.
gnomAD v4.1: 21 of 1,613,984 alleles (0.0013%); highest among the groups gnomAD compares: Middle Eastern, 0.049%; no homozygotes.

Submissions (2):

Ambry Genetics
Classification: Uncertain significance for Inborn genetic diseases. Last evaluated: 2025-04-14. Review status: criteria provided, single submitter. Criteria: Ambry Variant Classification Scheme 2023. Collection method: clinical testing. Allele origin: germline.

Labcorp Genetics (formerly Invitae), Labcorp
Classification: Uncertain significance. Last evaluated: 2022-03-10. Review status: criteria provided, single submitter. Criteria: Invitae Variant Classification Sherloc (09022015). Collection method: clinical testing. Allele origin: germline.
Comment: This sequence change replaces isoleucine, which is neutral and non-polar, with threonine, which is neutral and polar, at codon 143 of the TTPA protein (p.Ile143Thr). This variant is present in population databases (rs745820087, gnomAD 0.003%). This variant has not been reported in the literature in individuals affected with TTPA-related conditions. Algorithms developed to predict the effect of missense changes on protein structure and function (SIFT, PolyPhen-2, Align-GVGD) all suggest that this variant is likely to be disruptive. In summary, the available evidence is currently insufficient to determine the role of this variant in disease. Therefore, it has been classified as a Variant of Uncertain Significance.

NM_000370.3(TTPA):c.428T>C (p.Ile143Thr)

Gene: TTPA (alpha tocopherol transfer protein; minus strand). Cytogenetic location: 8q12.3.
Variant type: single nucleotide variant.
Coding change: c.428T>C on transcript NM_000370.3 (MANE Select); coding-DNA position 428, T replaced by C.
Protein change: p.Ile143Thr; replaces isoleucine 143 with threonine.
Molecular consequence: missense variant.
Genome position (GRCh38, 1-based): chr8:63,066,028, A>G on the plus strand (T>C on the coding strand, the complement: TTPA is on the minus strand). VCF-style: chr8-63066028-A-G. GRCh37 (hg19) VCF-style: chr8-63978587-A-G.
Other names: c.428T>C, p.Ile143Thr (NM_001413416.1); c.545T>C, p.Ile182Thr (NM_001413418.1); short protein forms I182T, I143T.
Identifiers: ClinVar variation 2145589 (VCV002145589.2), dbSNP rs745820087, ClinGen allele CA4763237.